The following is an entry in ClinVar:

NM_001673.5(ASNS):c.667_670del (p.Phe223fs)

Genes: ASNS (asparagine synthetase (glutamine-hydrolyzing); minus strand), CZ1P-ASNS (CZ1P-ASNS readthrough; minus strand). Cytogenetic location: 7q21.3.
Variant type: Deletion.
Coding change: c.667_670del on transcript NM_001673.5 (MANE Select); coding-DNA positions 667 to 670, 4 bases deleted (TTTC; older notation c.667_670delTTTC).
Protein change: p.Phe223fs; shifts the reading frame from phenylalanine 223.
Molecular consequence: frameshift variant. On other transcripts: non-coding transcript variant (1).
Genome position (GRCh38, 1-based): chr7:97,859,216-97,859,219, GAAA deleted on the plus strand (TTTC on the coding strand, the reverse complement: ASNS is on the minus strand); deleting any 4 consecutive bases within chr7:97,859,216-97,859,221 gives the same sequence; the c. name uses the placement nearest the transcript's 3' end. VCF-style (leftmost placement, unchanged base first): chr7-97859215-GGAAA-G. GRCh37 (hg19) VCF-style: chr7-97488527-GGAAA-G.
Other names: c.667_670delTTTC (NM_133436.3); c.604_607del, p.Phe202fs (NM_001178075.2); c.418_421del, p.Phe140fs (NM_001178076.2, NM_001178077.1); c.667_670del, p.Phe223fs (NM_001352496.2, NM_133436.3, NM_183356.4); short protein forms F140fs, F202fs, F223fs.
Identifiers: ClinVar variation 5001792 (VCV005001792.1).
Genomic context (GRCh38, chr7:97,859,215, plus strand): 5'-ACTTAAAATTTTTTTCCCTTGGAGAAGGATGGGGAATAGGTGGGTGGGTGTCTGCTACCT[GGAAA>G]GAGTTTCTCCACATTGTCATAGAGGGCGTGCAGGGGTACATCCCGACAGTGATGATATTT-3'

ClinVar aggregate classification (germline): Likely pathogenic (1 of 4 stars; one submission).

Conditions:
ASNS-related disorder. Also called: ASNS-related condition.

Submission:

PreventionGenetics, part of Exact Sciences
Classification: Likely pathogenic for ASNS-related condition. Last evaluated: 2024-11-25. Review status: criteria provided, single submitter. Criteria: ACMG Guidelines, 2015. Collection method: clinical testing. Allele origin: germline.
Comment: The ASNS c.667_670delTTTC variant is predicted to result in a frameshift and premature protein termination (p.Phe223Glnfs*5). To our knowledge, this variant has not been reported in the literature or in a large population database (gnomAD), indicating this variant is rare. Frameshift variants in ASNS are expected to be pathogenic. This variant is interpreted as likely pathogenic.